The following is an entry in ClinVar:

NM_002875.5(RAD51):c.94G>T (p.Gly32Cys)

Gene: RAD51 (RAD51 recombinase; plus strand). Cytogenetic location: 15q15.1.
Variant type: single nucleotide variant.
Coding change: c.94G>T on transcript NM_002875.5 (MANE Select); coding-DNA position 94, G replaced by T.
Protein change: p.Gly32Cys; replaces glycine 32 with cysteine.
Molecular consequence: missense variant.
Genome position (GRCh38, 1-based): chr15:40,701,070, G>T. VCF-style: chr15-40701070-G-T. GRCh37 (hg19) VCF-style: chr15-40993268-G-T.
Other names: c.94G>T, p.Gly32Cys (NM_001164269.2, NM_001164270.2, NM_133487.4); short protein forms G32C.
Identifiers: ClinVar variation 1767181 (VCV001767181.2), dbSNP rs2504414467, ClinGen allele CA391745412.
Genomic context (GRCh38, chr15:40,701,070, plus strand): 5'-TGTTAGATTAGAGAACTAAAGCTTAAATTTATCCATGGTTTTCTTCATTTGCAGCAGTGT[G>T]GCATAAATGCCAACGATGTGAAGAAATTGGAAGAAGCTGGATTCCATACTGTGGAGGCTG-3'
Protein context (NP_002866.2, residues 22-42): PQPISRLEQC[Gly32Cys]INANDVKKLE

ClinVar aggregate classification (germline): Uncertain significance (1 of 4 stars; one submission).

Conditions:
Inborn genetic diseases. Identifiers: MedGen C0950123, MeSH D030342.

Allele frequency attached by ClinVar (database versions not stated): gnomAD exomes below 0.00001.
gnomAD v4.1: 2 of 1,614,196 alleles (0.00012%); highest among the groups gnomAD compares: South Asian, 0.0011%; no homozygotes.

Submission:

Ambry Genetics
Classification: Uncertain significance for Inborn genetic diseases. Last evaluated: 2022-06-04. Review status: criteria provided, single submitter. Criteria: Ambry Variant Classification Scheme 2023. Collection method: clinical testing. Allele origin: germline.
Comment: The p.G32C variant (also known as c.94G>T), located in coding exon 2 of the RAD51 gene, results from a G to T substitution at nucleotide position 94. The glycine at codon 32 is replaced by cysteine, an amino acid with highly dissimilar properties. This amino acid position is conserved. In addition, this alteration is predicted to be deleterious by in silico analysis. Since supporting evidence is limited at this time, the clinical significance of this alteration remains unclear.